The following is an entry in ClinVar:

NM_001130987.2(DYSF):c.6167A>C (p.Asp2056Ala)

Gene: DYSF (dysferlin; plus strand). Cytogenetic location: 2p13.2.
Variant type: single nucleotide variant.
Coding change: c.6167A>C on transcript NM_001130987.2 (MANE Select); coding-DNA position 6167, A replaced by C.
Protein change: p.Asp2056Ala; replaces aspartic acid 2056 with alanine.
Molecular consequence: missense variant.
Genome position (GRCh38, 1-based): chr2:71,681,104, A>C. VCF-style: chr2-71681104-A-C. GRCh37 (hg19) VCF-style: chr2-71908234-A-C.
Other names: c.6053A>C, p.Asp2018Ala (NM_001130455.2); c.6008A>C, p.Asp2003Ala (NM_001130976.2); c.6071A>C, p.Asp2024Ala (NM_001130977.2); c.6113A>C, p.Asp2038Ala (NM_001130978.2); c.6143A>C, p.Asp2048Ala (NM_001130979.2); c.6101A>C, p.Asp2034Ala (NM_001130980.2); c.6164A>C, p.Asp2055Ala (NM_001130981.2); c.6146A>C, p.Asp2049Ala (NM_001130982.2); and 5 more; short protein forms D2003A, D2004A, D2025A, D2034A, D2035A, D2048A, D2038A, D2039A.
Identifiers: ClinVar variation 1401049 (VCV001401049.3), dbSNP rs925176602, ClinGen allele CA49775618.
Genomic context (GRCh38, chr2:71,681,104, plus strand): 5'-ATGAGGAGCGGCCTGCTGGCCAGGGCCGGGATGAGCCCAACATGAACCCTAAGCTTGAGG[A>C]CCCAAGGTCAGTGCCCAGCCCCTGAGCCCCAATGCCCACAGGTCTGGGGGTATAGGCCAC-3'
Protein context (NP_001124459.1, residues 2046-2066): DEPNMNPKLE[Asp2056Ala]PRRPDTSFLW

ClinVar aggregate classification (germline): Uncertain significance (1 of 4 stars; one submission).

Conditions:
Neuromuscular disease caused by qualitative or quantitative defects of dysferlin. Also called: Qualitative or quantitative defects of dysferlin; Dysferlinopathy. Identifiers: Orphanet 207073, MedGen C2931687, MONDO:0016145.

Allele frequency attached by ClinVar (database versions not stated): gnomAD exomes below 0.00001; gnomAD 0.00001; TOPMed 0.00002.

Submission:

Labcorp Genetics (formerly Invitae), Labcorp
Classification: Uncertain significance for Neuromuscular disease caused by qualitative or quantitative defects of dysferlin. Last evaluated: 2021-10-17. Review status: criteria provided, single submitter. Criteria: Invitae Variant Classification Sherloc (09022015). Collection method: clinical testing. Allele origin: germline.
Comment: This sequence change replaces aspartic acid with alanine at codon 2017 of the DYSF protein (p.Asp2017Ala). The aspartic acid residue is moderately conserved and there is a moderate physicochemical difference between aspartic acid and alanine. This variant is not present in population databases (ExAC no frequency). This variant has not been reported in the literature in individuals affected with DYSF-related conditions. Advanced modeling of protein sequence and biophysical properties (such as structural, functional, and spatial information, amino acid conservation, physicochemical variation, residue mobility, and thermodynamic stability) performed at Invitae indicates that this missense variant is not expected to disrupt DYSF protein function. In summary, the available evidence is currently insufficient to determine the role of this variant in disease. Therefore, it has been classified as a Variant of Uncertain Significance.